The following is an entry in ClinVar:

NM_004525.3(LRP2):c.9328+4A>C

Gene: LRP2 (LDL receptor related protein 2; minus strand). Cytogenetic location: 2q31.1.
Variant type: single nucleotide variant.
Coding change: c.9328+4A>C on transcript NM_004525.3 (MANE Select); 4 bases into the intron after coding-DNA position 9328, A replaced by C.
Molecular consequence: intron variant.
Genome position (GRCh38, 1-based): chr2:169,187,966, T>G on the plus strand (A>C on the coding strand, the complement: LRP2 is on the minus strand). VCF-style: chr2-169187966-T-G. GRCh37 (hg19) VCF-style: chr2-170044476-T-G.
Identifiers: ClinVar variation 1472785 (VCV001472785.6), dbSNP rs2105305413, ClinGen allele CA2573133652.

ClinVar aggregate classification (germline): Uncertain significance (1 of 4 stars; one submission).

Submission:

Labcorp Genetics (formerly Invitae), Labcorp
Classification: Uncertain significance. Last evaluated: 2021-02-16. Review status: criteria provided, single submitter. Criteria: Invitae Variant Classification Sherloc (09022015). Collection method: clinical testing. Allele origin: germline.
Comment: This sequence change falls in intron 49 of the LRP2 gene. It does not directly change the encoded amino acid sequence of the LRP2 protein. It affects a nucleotide within the consensus splice site of the intron. This variant is not present in population databases (ExAC no frequency). This variant has not been reported in the literature in individuals with LRP2-related conditions. Nucleotide substitutions within the consensus splice site are a relatively common cause of aberrant splicing (PMID: 17576681, 9536098). Algorithms developed to predict the effect of sequence changes on RNA splicing suggest that this variant may disrupt the consensus splice site, but this prediction has not been confirmed by published transcriptional studies. In summary, the available evidence is currently insufficient to determine the role of this variant in disease. Therefore, it has been classified as a Variant of Uncertain Significance.

Literature cited by the submitters: PubMed 17576681; PubMed 9536098.